The following is an entry in ClinVar:

NM_000642.3(AGL):c.3836+1G>A

Gene: AGL (amylo-alpha-1,6-glucosidase and 4-alpha-glucanotransferase; plus strand). Cytogenetic location: 1p21.2.
Variant type: single nucleotide variant.
Coding change: c.3836+1G>A on transcript NM_000642.3 (MANE Select); the canonical splice donor site of the intron after coding-DNA position 3836, G replaced by A.
Molecular consequence: splice donor variant.
Genome position (GRCh38, 1-based): chr1:99,910,848, G>A. VCF-style: chr1-99910848-G-A. GRCh37 (hg19) VCF-style: chr1-100376404-G-A.
Other names: c.3836+1G>A (NM_000643.3, NM_000644.3, NM_001425325.1 and 1 more transcripts); c.3788+1G>A (NM_000646.3); c.3815+1G>A (NM_001425326.1); c.3635+1G>A (NM_001425327.1); c.3632+1G>A (NM_001425328.1); c.3497+1G>A (NM_001425329.1); c.3458+1G>A (NM_001425332.1).
Identifiers: ClinVar variation 374346 (VCV000374346.9), dbSNP rs780883601, ClinGen allele CA967222.

ClinVar aggregate classification (germline): Pathogenic. Review status: criteria provided, single submitter (1 of 4 stars). 2 submissions from 2 submitters: Pathogenic (1). 1 of the submissions does not count toward it. Last evaluated 2025-03-01.

Conditions:
Glycogen storage disease type III (GSD3). Also called: Cori disease; FORBES DISEASE. Identifiers: Orphanet 366, MedGen C0017922, MONDO:0009291, OMIM 232400.

Allele frequency attached by ClinVar (database versions not stated): gnomAD exomes below 0.00001; TOPMed below 0.00001; ExAC 0.00001; gnomAD 0.00001.
gnomAD v4.1: 2 of 1,611,924 alleles (0.00012%); highest among the groups gnomAD compares: Non-Finnish European, 0.000085%; no homozygotes.

Submissions (2):

CeGaT Center for Human Genetics Tuebingen
Classification: Pathogenic. Last evaluated: 2025-03-01. Review status: criteria provided, single submitter. Criteria: CeGaT Center For Human Genetics Tuebingen Variant Classification Criteria Version 2. Collection method: clinical testing. Allele origin: germline. Affected: yes. Observed: 2 variant alleles.
Comment: AGL: PVS1, PM2, PM3

Baylor Genetics
Classification: Pathogenic for Glycogen storage disease type III. Last evaluated: 2015-06-02. Review status: no assertion criteria provided. Collection method: clinical testing. Allele origin: germline. Inheritance: Autosomal recessive inheritance. Affected: yes. Observed: 1 variant allele, 1 homozygote. Not counted in ClinVar's aggregate classification.
Comment: The AGL variant is located at the invariant splice site in AGL and is predicted as deleterious according to ACMGG guidelines [PMID: 18414213].